The following is an entry in ClinVar:

ClinVar aggregate classification (germline): Uncertain significance (1 of 4 stars; one submission).

Conditions:
Long QT syndrome 2 (LQT2). Identifiers: Orphanet 101016, Orphanet 768, MedGen C3150943, MONDO:0013367, OMIM 613688.

Submission:

OLLIN Analises Genomicas, OLLIN
Classification: Uncertain significance for Long QT syndrome 2. Last evaluated: 2026-08-06. Review status: criteria provided, single submitter. Criteria: ACMG Guidelines 2015 PMID 25741868. Collection method: clinical testing. Allele origin: germline. Inheritance: Autosomal dominant inheritance.
Comment: This missense variant, located in exon 7 (of 15), is absent from gnomAD and ClinVar and has not been identified in the literature. In silico analysis predicts that this variant has a deleterious effect. This variant is located in a region considered to be a mutational hotspot. This gene is constrained for missense variation. According to the currently available evidence, this variant has been classified as uncertain significance (PM1, PM2_P, PP2, PP3).

NM_000238.4(KCNH2):c.1793A>C (p.Asn598Thr)

Gene: KCNH2 (potassium voltage-gated channel subfamily H member 2; minus strand). Cytogenetic location: 7q36.1.
Variant type: single nucleotide variant.
Coding change: c.1793A>C on transcript NM_000238.4 (MANE Select); coding-DNA position 1793, A replaced by C.
Protein change: p.Asn598Thr; replaces asparagine 598 with threonine.
Molecular consequence: missense variant. On other transcripts: non-coding transcript variant (2).
Genome position (GRCh38, 1-based): chr7:150,951,600, T>G on the plus strand (A>C on the coding strand, the complement: KCNH2 is on the minus strand). VCF-style: chr7-150951600-T-G. GRCh37 (hg19) VCF-style: chr7-150648688-T-G.
Other names: c.773A>C, p.Asn258Thr (NM_001204798.2, NM_172057.3); c.1505A>C, p.Asn502Thr (NM_001406753.1, NM_001406756.1); c.1616A>C, p.Asn539Thr (NM_001406755.1); c.1493A>C, p.Asn498Thr (NM_001406757.1); c.1793A>C, p.Asn598Thr (NM_172056.3); short protein forms N502T, N258T, N539T, N498T, N598T.
Identifiers: ClinVar variation 5002993 (VCV005002993.1).